The following is an entry in ClinVar:

ClinVar aggregate classification (germline): Likely pathogenic (1 of 4 stars; one submission).

Conditions:
Niemann-Pick disease, type C1. Also called: NIEMANN-PICK DISEASE, VARIANT TYPE C1; NIEMANN-PICK DISEASE WITHOUT SPHINGOMYELINASE DEFICIENCY; NIEMANN-PICK DISEASE, CHRONIC NEURONOPATHIC FORM; NEUROVISCERAL STORAGE DISEASE WITH VERTICAL SUPRANUCLEAR OPHTHALMOPLEGIA; NIEMANN-PICK DISEASE WITH CHOLESTEROL ESTERIFICATION BLOCK. Identifiers: Orphanet 646, MedGen C3179455, MONDO:0009757, OMIM 257220.

Submission:

Myriad Genetics, Inc.
Classification: Likely pathogenic for Niemann-Pick disease, type C1. Last evaluated: 2019-12-22. Review status: criteria provided, single submitter. Criteria: Myriad Women's Health Autosomal Recessive and X-Linked Classification Criteria (2019). Collection method: clinical testing. Allele origin: unknown.
Comment: NM_000271.4(NPC1):c.2742C>A(C914*) is expected to be pathogenic in the context of Niemann-Pick disease type C1. This variant is predicted to lead to an abnormal or absent protein product due to the creation of a premature termination codon in NPC1, a gene where loss-of-function variants are known to be pathogenic. Please note: this variant was assessed in the context of healthy population screening.

NM_000271.5(NPC1):c.2742C>A (p.Cys914Ter)

Gene: NPC1 (NPC intracellular cholesterol transporter 1; minus strand). Cytogenetic location: 18q11.2.
Variant type: single nucleotide variant.
Coding change: c.2742C>A on transcript NM_000271.5 (MANE Select); coding-DNA position 2742, C replaced by A.
Protein change: p.Cys914Ter; replaces cysteine 914 with a stop codon.
Molecular consequence: nonsense.
Genome position (GRCh38, 1-based): chr18:23,539,864, G>T on the plus strand (C>A on the coding strand, the complement: NPC1 is on the minus strand). VCF-style: chr18-23539864-G-T. GRCh37 (hg19) VCF-style: chr18-21119828-G-T.
Other names: short protein forms C914*.
Identifiers: ClinVar variation 984320 (VCV000984320.3), dbSNP rs2058687419, ClinGen allele CA401792746.